The following is an entry in ClinVar:

NM_017739.4(POMGNT1):c.406dup (p.Leu136fs)

Genes: POMGNT1 (protein O-linked mannose N-acetylglucosaminyltransferase 1 (beta 1,2-); minus strand), TSPAN1 (tetraspanin 1; plus strand). Cytogenetic location: 1p34.1.
Variant type: Duplication.
Coding change: c.406dup on transcript NM_017739.4 (MANE Select); coding-DNA position 406, one base duplicated (C; older notation c.406dupC).
Protein change: p.Leu136fs; shifts the reading frame from leucine 136.
Molecular consequence: frameshift variant. On other transcripts: 5 prime UTR variant (1).
Genome position (GRCh38, 1-based): chr1:46,196,026, G duplicated on the plus strand (C on the coding strand, the reverse complement: POMGNT1 is on the minus strand); the first of 2 consecutive G bases (chr1:46,196,026-46,196,027); duplicating either gives the same sequence. VCF-style (leftmost placement, unchanged base first): chr1-46196025-A-AG. GRCh37 (hg19) VCF-style: chr1-46661697-A-AG.
Other names: c.406dup, p.Leu136fs (NM_001243766.2, NM_001410783.1, NM_001437653.1 and 3 more transcripts); c.340dup, p.Leu114fs (NM_001290129.3, NM_001438691.1, NM_001438692.1); c.-24dup (NM_001290130.2); short protein forms L114fs, L136fs.
Identifiers: ClinVar variation 5013642 (VCV005013642.1).

ClinVar aggregate classification (germline): Pathogenic (1 of 4 stars; one submission).

Conditions:
Myopathy caused by variation in POMGNT1. Identifiers: MedGen CN305639, MONDO:0700068.

Submission:

Myriad Genetics, Inc.
Classification: Pathogenic for Myopathy caused by variation in POMGNT1. Last evaluated: 2024-10-16. Review status: criteria provided, single submitter. Criteria: Myriad Autosomal Dominant, Autosomal Recessive and X-Linked Classification Criteria (2023). Collection method: clinical testing. Allele origin: unknown.
Comment: NM_017739.3(POMGNT1):c.406dupC(L136Pfs*15) is expected to be pathogenic in the context of POMGNT1-related disorders. This variant is predicted to lead to an abnormal or absent protein product due to the creation of a premature termination codon in POMGNT1, a gene where loss-of-function variants are known to be pathogenic. Please note: this variant was assessed in the context of healthy population screening.